The following is an entry in ClinVar:

NM_139343.3(BIN1):c.1371+1G>T

Gene: BIN1 (bridging integrator 1; minus strand). Cytogenetic location: 2q14.3.
Variant type: single nucleotide variant.
Coding change: c.1371+1G>T on transcript NM_139343.3 (MANE Select); the canonical splice donor site of the intron after coding-DNA position 1371, G replaced by T.
Molecular consequence: splice donor variant. On other transcripts: intron variant (9).
Genome position (GRCh38, 1-based): chr2:127,052,254, C>A on the plus strand (G>T on the coding strand, the complement: BIN1 is on the minus strand). VCF-style: chr2-127052254-C-A. GRCh37 (hg19) VCF-style: chr2-127809830-C-A.
Other names: c.1017+1G>T (NM_139349.3); c.1039-1011G>T (NM_139348.3); c.1146+1G>T (NM_139347.3); c.1278+1G>T (NM_001320641.2); c.955-1342G>T (NM_001320632.2); c.955-1011G>T (NM_004305.4); c.1084-1011G>T (NM_139346.3); c.1003-1011G>T (NM_001320633.2); and 7 more.
Identifiers: ClinVar variation 286314 (VCV000286314.12), dbSNP rs556129959, ClinGen allele CA1857088.

ClinVar aggregate classification (germline): Conflicting classifications of pathogenicity. Review status: criteria provided, conflicting classifications (1 of 4 stars). 2 submissions from 2 submitters: Pathogenic (1); Uncertain significance (1). Last evaluated 2025-09-10.

Conditions:
Myopathy, centronuclear, 2 (CNM2). Also called: MYOTUBULAR MYOPATHY, AUTOSOMAL RECESSIVE. Identifiers: Orphanet 169186, MedGen CN031787, MONDO:0009709, OMIM 255200.

Allele frequency attached by ClinVar (database versions not stated): 1000 Genomes Project 30x 0.00016; TOPMed 0.00004; gnomAD 0.00005 and 0.00004; ExAC 0.00010; 1000 Genomes Project 0.00020.
gnomAD v4.1: 13 of 1,569,558 alleles (0.00083%); highest among the groups gnomAD compares: African/African-American, 0.015%; no homozygotes.

Submissions (2):

Labcorp Genetics (formerly Invitae), Labcorp
Classification: Uncertain significance for Myopathy, centronuclear, 2. Last evaluated: 2025-09-10. Review status: criteria provided, single submitter. Criteria: Invitae Variant Classification Sherloc (09022015). Collection method: clinical testing. Allele origin: germline.
Comment: This sequence change affects a donor splice site in intron 15 of the BIN1 gene. It is expected to disrupt RNA splicing. Variants that disrupt the donor or acceptor splice site typically lead to a loss of protein function (PMID: 16199547), however the current clinical and genetic evidence is not sufficient to establish whether loss-of-function variants in BIN1 cause disease. The frequency data for this variant in the population databases is considered unreliable, as metrics indicate poor data quality at this position in the gnomAD database. This variant has not been reported in the literature in individuals affected with BIN1-related conditions. ClinVar contains an entry for this variant (Variation ID: 286314). Algorithms developed to predict the effect of sequence changes on RNA splicing suggest that this variant may disrupt the consensus splice site. In summary, the available evidence is currently insufficient to determine the role of this variant in disease. Therefore, it has been classified as a Variant of Uncertain Significance.

Eurofins Ntd Llc (ga)
Classification: Pathogenic. Last evaluated: 2016-03-04. Review status: criteria provided, single submitter. Criteria: EGL Classification Definitions 2015. Collection method: clinical testing. Allele origin: germline. Observed: 2 variant alleles, 2 heterozygotes.

Literature cited by the submitters: PubMed 16199547 (cited by Labcorp Genetics (formerly Invitae), Labcorp).